The following is an entry in ClinVar:

NM_021830.5(TWNK):c.122G>A (p.Arg41Lys)

Gene: TWNK (twinkle mtDNA helicase; plus strand). Cytogenetic location: 10q24.31.
Variant type: single nucleotide variant.
Coding change: c.122G>A on transcript NM_021830.5 (MANE Select); coding-DNA position 122, G replaced by A.
Protein change: p.Arg41Lys; replaces arginine 41 with lysine.
Molecular consequence: missense variant. On other transcripts: non-coding transcript variant (4), intron variant (3).
Genome position (GRCh38, 1-based): chr10:100,988,332, G>A. VCF-style: chr10-100988332-G-A. GRCh37 (hg19) VCF-style: chr10-102748089-G-A.
Other names: c.122G>A, p.Arg41Lys (NM_001163812.2); c.-120+719G>A (NM_001163814.2, NM_001163813.2); c.-58+719G>A (NM_001368275.1); short protein forms R41K.
Identifiers: ClinVar variation 2723128 (VCV002723128.3), dbSNP rs915248538, ClinGen allele CA212962577.

ClinVar aggregate classification (germline): Uncertain significance (1 of 4 stars; one submission).

Allele frequency attached by ClinVar (database versions not stated): TOPMed 0.00011; gnomAD exomes 0.00001; gnomAD 0.00003.
gnomAD v4.1: 10 of 1,614,140 alleles (0.00062%); highest among the groups gnomAD compares: Admixed American, 0.013%; no homozygotes.

Submission:

Labcorp Genetics (formerly Invitae), Labcorp
Classification: Uncertain significance. Last evaluated: 2025-10-26. Review status: criteria provided, single submitter. Criteria: Invitae Variant Classification Sherloc (09022015). Collection method: clinical testing. Allele origin: germline.
Comment: This sequence change replaces arginine, which is basic and polar, with lysine, which is basic and polar, at codon 41 of the TWNK protein (p.Arg41Lys). This variant is not present in population databases (gnomAD no frequency). This variant has not been reported in the literature in individuals affected with TWNK-related conditions. ClinVar contains an entry for this variant (Variation ID: 2723128). Invitae Evidence Modeling of protein sequence and biophysical properties (such as structural, functional, and spatial information, amino acid conservation, physicochemical variation, residue mobility, and thermodynamic stability) indicates that this missense variant is not expected to disrupt TWNK protein function with a negative predictive value of 95%. In summary, the available evidence is currently insufficient to determine the role of this variant in disease. Therefore, it has been classified as a Variant of Uncertain Significance.